The following is an entry in ClinVar:

ClinVar aggregate classification (germline): Likely benign. Review status: criteria provided, multiple submitters, no conflicts (2 of 4 stars). 2 submissions from 2 submitters: Likely benign (2). Last evaluated 2025-09-04.

Conditions:
Early-infantile DEE. Also called: Early infantile epileptic encephalopathy with suppression bursts; Early infantile epileptic encephalopathy; Ohtahara syndrome. Identifiers: Orphanet 1934, MedGen C0393706, MONDO:0800491.

Allele frequency attached by ClinVar (database versions not stated): gnomAD exomes below 0.00001.
gnomAD v4.1: 1 of 1,614,116 alleles (0.000062%); highest among the groups gnomAD compares: South Asian, 0.0011%; no homozygotes.

Submissions (2):

Labcorp Genetics (formerly Invitae), Labcorp
Classification: Likely benign for Early-infantile DEE. Last evaluated: 2025-09-04. Review status: criteria provided, single submitter. Criteria: Invitae Variant Classification Sherloc (09022015). Collection method: clinical testing. Allele origin: germline.

GeneDx
Classification: Likely benign. Last evaluated: 2018-06-12. Review status: criteria provided, single submitter. Criteria: GeneDx Variant Classification (06012015). Collection method: clinical testing. Allele origin: germline. Affected: yes.
Comment: This variant is considered likely benign or benign based on one or more of the following criteria: it is a conservative change, it occurs at a poorly conserved position in the protein, it is predicted to be benign by multiple in silico algorithms, and/or has population frequency not consistent with disease.

NM_001165963.4(SCN1A):c.2343T>C (p.Asn781=)

Gene: SCN1A (sodium voltage-gated channel alpha subunit 1; minus strand). Cytogenetic location: 2q24.3.
Variant type: single nucleotide variant.
Coding change: c.2343T>C on transcript NM_001165963.4 (MANE Select); coding-DNA position 2343, T replaced by C.
Protein change: p.Asn781=; no amino-acid change (asparagine 781 retained).
Molecular consequence: synonymous variant. On other transcripts: 5 prime UTR variant (1), non-coding transcript variant (1).
Genome position (GRCh38, 1-based): chr2:166,041,303, A>G on the plus strand (T>C on the coding strand, the complement: SCN1A is on the minus strand). VCF-style: chr2-166041303-A-G. GRCh37 (hg19) VCF-style: chr2-166897813-A-G.
Other names: c.2259T>C, p.Asn753= (NM_001165964.3, NM_001353957.2, NM_001353958.2); c.2343T>C, p.Asn781= (NM_001202435.3, NM_001353948.2); c.2310T>C, p.Asn770= (NM_001353949.2, NM_001353950.2, NM_001353951.2 and 2 more transcripts); c.2307T>C, p.Asn769= (NM_001353954.2, NM_001353955.2); c.2256T>C, p.Asn752= (NM_001353960.2); c.-116T>C (NM_001353961.2).
Identifiers: ClinVar variation 669463 (VCV000669463.4), dbSNP rs1574202373, ClinGen allele CA429976166.